The following is an entry in ClinVar:

NM_001242896.3(DEPDC5):c.2608A>G (p.Ile870Val)

Gene: DEPDC5 (DEP domain containing 5, GATOR1 subcomplex subunit; plus strand). Cytogenetic location: 22q12.3.
Variant type: single nucleotide variant.
Coding change: c.2608A>G on transcript NM_001242896.3 (MANE Select); coding-DNA position 2608, A replaced by G.
Protein change: p.Ile870Val; replaces isoleucine 870 with valine.
Molecular consequence: missense variant. On other transcripts: non-coding transcript variant (5).
Genome position (GRCh38, 1-based): chr22:31,843,187, A>G. VCF-style: chr22-31843187-A-G. GRCh37 (hg19) VCF-style: chr22-32239173-A-G.
Other names: c.2581A>G, p.Ile861Val (NM_001136029.4, NM_001369903.1, NM_014662.6); c.2374A>G, p.Ile792Val (NM_001242897.2, NM_001363854.2, NM_001364319.2); c.2608A>G, p.Ile870Val (NM_001363852.2, NM_001364318.2, NM_001364320.2); c.2524A>G, p.Ile842Val (NM_001369901.1, NM_001369902.1); short protein forms I792V, I842V, I861V, I870V.
Identifiers: ClinVar variation 1062386 (VCV001062386.9), dbSNP rs573955848, ClinGen allele CA10196760.

ClinVar aggregate classification (germline): Uncertain significance (1 of 4 stars; one submission).

Conditions:
Familial focal epilepsy with variable foci (FPEVF). Identifiers: Orphanet 98820, MedGen C1858477, MONDO:0020310.

Allele frequency attached by ClinVar (database versions not stated): gnomAD exomes below 0.00001; ExAC 0.00001; gnomAD 0.00001; 1000 Genomes Project 30x 0.00016; 1000 Genomes Project 0.00020.
gnomAD v4.1: 1 of 1,614,180 alleles (0.000062%); highest among the groups gnomAD compares: Admixed American, 0.0017%; no homozygotes.

Submission:

Labcorp Genetics (formerly Invitae), Labcorp
Classification: Uncertain significance for Familial focal epilepsy with variable foci. Last evaluated: 2020-05-20. Review status: criteria provided, single submitter. Criteria: Invitae Variant Classification Sherloc (09022015). Collection method: clinical testing. Allele origin: germline.
Comment: In summary, the available evidence is currently insufficient to determine the role of this variant in disease. Therefore, it has been classified as a Variant of Uncertain Significance. Algorithms developed to predict the effect of missense changes on protein structure and function are either unavailable or do not agree on the potential impact of this missense change (SIFT: "Deleterious"; PolyPhen-2: "Not Available"; Align-GVGD: "Class C25"). This variant has not been reported in the literature in individuals with DEPDC5-related conditions. This variant is present in population databases (rs573955848, ExAC 0.009%). This sequence change replaces isoleucine with valine at codon 870 of the DEPDC5 protein (p.Ile870Val). The isoleucine residue is highly conserved and there is a small physicochemical difference between isoleucine and valine.